The following is an entry in ClinVar:

NM_001303052.2(MYT1L):c.198del (p.Lys66fs)

Gene: MYT1L (myelin transcription factor 1 like; minus strand). Cytogenetic location: 2p25.3.
Variant type: Deletion.
Coding change: c.198del on transcript NM_001303052.2 (MANE Select); coding-DNA position 198, one base deleted (A; older notation c.198delA).
Protein change: p.Lys66fs; shifts the reading frame from lysine 66.
Molecular consequence: frameshift variant.
Genome position (GRCh38, 1-based): chr2:1,943,289, T deleted on the plus strand (A on the coding strand, the reverse complement: MYT1L is on the minus strand); the first of 3 consecutive T bases (chr2:1,943,289-1,943,291); deleting any one gives the same sequence. VCF-style (leftmost placement, unchanged base first): chr2-1943288-GT-G. GRCh37 (hg19) VCF-style: chr2-1947060-GT-G.
Other names: c.198del, p.Lys66fs (NM_001329844.2, NM_001329845.1, NM_001329846.3 and 6 more transcripts); short protein forms K66fs.
Identifiers: ClinVar variation 4891031 (VCV004891031.1).

ClinVar aggregate classification (germline): Likely pathogenic (1 of 4 stars; one submission).

Conditions:
Intellectual developmental disorder, autosomal dominant 39. Also called: Mental retardation, autosomal dominant 39; Intellectual disability, autosomal dominant 39. Identifiers: MedGen C4225296, MONDO:0014678, OMIM 616521.

Submission:

Greenwood Genetic Center Diagnostic Laboratories, Greenwood Genetic Center
Classification: Likely pathogenic for Intellectual developmental disorder, autosomal dominant 39. Last evaluated: 2026-04-01. Review status: criteria provided, single submitter. Criteria: ACMG Guidelines, 2015. Collection method: clinical testing. Allele origin: germline. Affected: yes.
Comment: PVS1, PM2